The following is an entry in ClinVar:

ClinVar aggregate classification (germline): Likely pathogenic (1 of 4 stars; one submission).

Conditions:
Mitochondrial DNA depletion syndrome 9 (MTDPS9). Also called: SUCLG1-Related Mitochondrial DNA Depletion Syndrome, Encephalomyopathic Form with Methylmalonic Aciduria. Identifiers: Orphanet 17, MedGen C3151476, MONDO:0009504, OMIM 245400.

Allele frequency attached by ClinVar (database versions not stated): TOPMed 0.00001.

Submission:

Illumina Laboratory Services, Illumina
Classification: Likely pathogenic for Mitochondrial DNA depletion syndrome 9. Last evaluated: 2018-11-01. Review status: criteria provided, single submitter. Criteria: ICSL Variant Classification Criteria 09 May 2019. Collection method: clinical testing. Allele origin: germline.
Comment: The SUCLG1 c.41T>C (p.Met14Thr) variant has been reported in a homozygous state in two individuals from a consanguineous family with mitochondrial encephalopathy and lactic acidosis and in a compound heterozygous state with another missense variant in one individual with fatal infantile lactic acidosis in a compound heterozygous (Sakamoto et al. 2011; Maalej et al. 2018). In both families, parents were heterozygous carriers. A third individual with fatal infantile lactic acidosis was found with another variant in a homozygous state that causes the same p.Met14Thr alteration (Van Hove et al. 2010). The p.Met14Thr variant was absent from 200 control chromosomes. Frequency information for this variant is not available in the 1000 Genomes database, the Exome Sequencing Project, the Exome Aggregation Consortium, or the Genome Aggregation Database. Functional assays using fibroblasts from the individual who was compound heterozygous for this variant demonstrated a reduction in the levels and activity of mitochondrial respiratory chain complex I. However, the ratios of mtDNA/nDNA of fibroblasts and muscle were similar to controls (Sakamoto et al. 2011). In blood leukocytes from the individuals homozygous for the p.Met14Thr variant, a reduction of mtDNA content was observed (89.49% for one proband and 47.62% for the other proband) (Maalej et al. 2018). Based on the evidence, the p.Met14Thr variant is classified as likely pathogenic for SUCLG1-related disorders. This variant was observed by ICSL as part of a predisposition screen in an ostensibly healthy population.

Literature cited by the submitters: PubMed 29217198; PubMed 20453710; PubMed 21639866.

NM_003849.4(SUCLG1):c.41T>C (p.Met14Thr)

Gene: SUCLG1 (succinate-CoA ligase GDP/ADP-forming subunit alpha; minus strand). Cytogenetic location: 2p11.2.
Variant type: single nucleotide variant.
Coding change: c.41T>C on transcript NM_003849.4 (MANE Select); coding-DNA position 41, T replaced by C.
Protein change: p.Met14Thr; replaces methionine 14 with threonine.
Molecular consequence: missense variant.
Genome position (GRCh38, 1-based): chr2:84,459,229, A>G on the plus strand (T>C on the coding strand, the complement: SUCLG1 is on the minus strand). VCF-style: chr2-84459229-A-G. GRCh37 (hg19) VCF-style: chr2-84686353-A-G.
Other names: short protein forms M14T.
Identifiers: ClinVar variation 632366 (VCV000632366.4), dbSNP rs1369567672, ClinGen allele CA347518560.